The following is an entry in ClinVar:

NM_000660.7(TGFB1):c.377A>G (p.Gln126Arg)

Gene: TGFB1 (transforming growth factor beta 1; minus strand). Cytogenetic location: 19q13.2.
Variant type: single nucleotide variant.
Coding change: c.377A>G on transcript NM_000660.7 (MANE Select); coding-DNA position 377, A replaced by G.
Protein change: p.Gln126Arg; replaces glutamine 126 with arginine.
Molecular consequence: missense variant.
Genome position (GRCh38, 1-based): chr19:41,348,434, T>C on the plus strand (A>G on the coding strand, the complement: TGFB1 is on the minus strand). VCF-style: chr19-41348434-T-C. GRCh37 (hg19) VCF-style: chr19-41854339-T-C.
Other names: short protein forms Q126R.
Identifiers: ClinVar variation 3647900 (VCV003647900.2).

ClinVar aggregate classification (germline): Uncertain significance (1 of 4 stars; one submission).

Submission:

Labcorp Genetics (formerly Invitae), Labcorp
Classification: Uncertain significance. Last evaluated: 2024-03-27. Review status: criteria provided, single submitter. Criteria: Invitae Variant Classification Sherloc (09022015). Collection method: clinical testing. Allele origin: germline.
Comment: This sequence change replaces glutamine, which is neutral and polar, with arginine, which is basic and polar, at codon 126 of the TGFB1 protein (p.Gln126Arg). This variant is not present in population databases (gnomAD no frequency). This variant has not been reported in the literature in individuals affected with TGFB1-related conditions. Advanced modeling of protein sequence and biophysical properties (such as structural, functional, and spatial information, amino acid conservation, physicochemical variation, residue mobility, and thermodynamic stability) performed at Invitae indicates that this missense variant is not expected to disrupt TGFB1 protein function with a negative predictive value of 80%. In summary, the available evidence is currently insufficient to determine the role of this variant in disease. Therefore, it has been classified as a Variant of Uncertain Significance.